The following is an entry in ClinVar:

NM_004100.5(EYA4):c.1574G>A (p.Trp525Ter)

Genes: EYA4 (EYA transcriptional coactivator and phosphatase 4; plus strand), TARID (TCF21 antisense RNA inducing promoter demethylation; minus strand). Cytogenetic location: 6q23.2.
Variant type: single nucleotide variant.
Coding change: c.1574G>A on transcript NM_004100.5 (MANE Select); coding-DNA position 1574, G replaced by A.
Protein change: p.Trp525Ter; replaces tryptophan 525 with a stop codon.
Molecular consequence: nonsense.
Genome position (GRCh38, 1-based): chr6:133,515,393, G>A. VCF-style: chr6-133515393-G-A. GRCh37 (hg19) VCF-style: chr6-133836531-G-A.
Other names: c.1412G>A, p.Trp471Ter (NM_001301012.2); c.1592G>A, p.Trp531Ter (NM_001301013.2); c.1505G>A, p.Trp502Ter (NM_001370458.1, NM_172103.4); c.1430G>A, p.Trp477Ter (NM_001370459.1); c.1574G>A, p.Trp525Ter (NM_172105.4); short protein forms W471*, W477*, W525*, W531*, W502*.
Identifiers: ClinVar variation 2112319 (VCV002112319.4), dbSNP rs2535379771, ClinGen allele CA365695489.

ClinVar aggregate classification (germline): Pathogenic (1 of 4 stars; one submission).

Conditions:
Dilated cardiomyopathy 1J (CMD1J). Also called: CARDIOMYOPATHY, DILATED, WITH SENSORINEURAL HEARING LOSS, AUTOSOMAL DOMINANT. Identifiers: Orphanet 217622, MedGen C1854368, MONDO:0011541, OMIM 605362.

Submission:

Labcorp Genetics (formerly Invitae), Labcorp
Classification: Pathogenic for Dilated cardiomyopathy 1J. Last evaluated: 2025-03-17. Review status: criteria provided, single submitter. Criteria: Invitae Variant Classification Sherloc (09022015). Collection method: clinical testing. Allele origin: germline.
Comment: This sequence change creates a premature translational stop signal (p.Trp525*) in the EYA4 gene. It is expected to result in an absent or disrupted protein product. Loss-of-function variants in EYA4 are known to be pathogenic (PMID: 11159937, 25781927, 25963406). This variant is not present in population databases (gnomAD no frequency). This variant has not been reported in the literature in individuals affected with EYA4-related conditions. ClinVar contains an entry for this variant (Variation ID: 2112319). Algorithms developed to predict the effect of sequence changes on RNA splicing suggest that this variant may disrupt the consensus splice site. For these reasons, this variant has been classified as Pathogenic.

Literature cited by the submitters: PubMed 11159937; PubMed 25781927; PubMed 25963406.